The following is an entry in ClinVar:

ClinVar aggregate classification (germline): Uncertain significance (1 of 4 stars; one submission).

Conditions:
Catecholaminergic polymorphic ventricular tachycardia (CVPT). Also called: Catecholamine-induced polymorphic ventricular tachycardia. Identifiers: Orphanet 3286, MedGen C5574922, MONDO:0017990.

Submission:

All of Us Research Program, National Institutes of Health
Classification: Uncertain significance for Catecholaminergic polymorphic ventricular tachycardia. Last evaluated: 2023-05-08. Review status: criteria provided, single submitter. Criteria: ACMG Guidelines, 2015. Collection method: clinical testing. Allele origin: germline. Inheritance: Autosomal dominant inheritance. Observed: 1 variant allele, 1 heterozygote.
Comment: This study involves interpretation of variants in research participants for the purpose of population health screening. Participant phenotype was not available at the time of variant classification. Additional details can be found in publication PMID: 35346344, PMCID: PMC8962531

NM_001035.3(RYR2):c.6188C>A (p.Ser2063Tyr)

Gene: RYR2 (ryanodine receptor 2; plus strand). Cytogenetic location: 1q43.
Variant type: single nucleotide variant.
Coding change: c.6188C>A on transcript NM_001035.3 (MANE Select); coding-DNA position 6188, C replaced by A.
Protein change: p.Ser2063Tyr; replaces serine 2063 with tyrosine.
Molecular consequence: missense variant.
Genome position (GRCh38, 1-based): chr1:237,627,828, C>A. VCF-style: chr1-237627828-C-A. GRCh37 (hg19) VCF-style: chr1-237791128-C-A.
Other names: short protein forms S2063Y.
Identifiers: ClinVar variation 3070927 (VCV003070927.1), dbSNP rs2546887795, ClinGen allele CA345410364.